The following is an entry in ClinVar:

ClinVar aggregate classification (germline): Uncertain significance. Review status: criteria provided, multiple submitters, no conflicts (2 of 4 stars). 2 submissions from 2 submitters: Uncertain significance (2). Last evaluated 2025-01-13.

Conditions:
Hereditary cancer-predisposing syndrome. Also called: Neoplastic Syndromes, Hereditary; Hereditary Cancer Syndrome; Tumor predisposition; Hereditary neoplastic syndrome. Identifiers: Orphanet 140162, MedGen C0027672, MeSH D009386, MONDO:0015356.
BAP1-related tumor predisposition syndrome (TPDS1). Also called: TUMOR PREDISPOSITION SYNDROME 1; Tumor susceptibility linked to germline BAP1 mutations; BAP1 tumor predisposition syndrome; COMMON Syndrome. Identifiers: Orphanet 289539, MedGen C3280492, MONDO:0013692, OMIM 614327.

Submissions (2):

Ambry Genetics
Classification: Uncertain significance for Hereditary cancer-predisposing syndrome. Last evaluated: 2025-01-13. Review status: criteria provided, single submitter. Criteria: Ambry Variant Classification Scheme 2023. Collection method: clinical testing. Allele origin: germline.
Comment: The p.Q410H variant (also known as c.1230G>C), located in coding exon 12 of the BAP1 gene, results from a G to C substitution at nucleotide position 1230. The glutamine at codon 410 is replaced by histidine, an amino acid with highly similar properties. This amino acid position is conserved. In addition, this alteration is predicted to be tolerated by in silico analysis. Based on the available evidence, the clinical significance of this variant remains unclear.

Labcorp Genetics (formerly Invitae), Labcorp
Classification: Uncertain significance for BAP1-related tumor predisposition syndrome. Last evaluated: 2024-07-20. Review status: criteria provided, single submitter. Criteria: Invitae Variant Classification Sherloc (09022015). Collection method: clinical testing. Allele origin: germline.
Comment: This sequence change replaces glutamine, which is neutral and polar, with histidine, which is basic and polar, at codon 410 of the BAP1 protein (p.Gln410His). This variant is not present in population databases (gnomAD no frequency). This variant has not been reported in the literature in individuals affected with BAP1-related conditions. ClinVar contains an entry for this variant (Variation ID: 2153375). Advanced modeling of protein sequence and biophysical properties (such as structural, functional, and spatial information, amino acid conservation, physicochemical variation, residue mobility, and thermodynamic stability) performed at Invitae indicates that this missense variant is not expected to disrupt BAP1 protein function with a negative predictive value of 80%. In summary, the available evidence is currently insufficient to determine the role of this variant in disease. Therefore, it has been classified as a Variant of Uncertain Significance.

NM_004656.4(BAP1):c.1230G>C (p.Gln410His)

Gene: BAP1 (BRCA1 associated deubiquitinase 1; minus strand). Cytogenetic location: 3p21.1.
Variant type: single nucleotide variant.
Coding change: c.1230G>C on transcript NM_004656.4 (MANE Select); coding-DNA position 1230, G replaced by C.
Protein change: p.Gln410His; replaces glutamine 410 with histidine.
Molecular consequence: missense variant.
Genome position (GRCh38, 1-based): chr3:52,404,473, C>G on the plus strand (G>C on the coding strand, the complement: BAP1 is on the minus strand). VCF-style: chr3-52404473-C-G. GRCh37 (hg19) VCF-style: chr3-52438489-C-G.
Other names: c.1176G>C, p.Gln392His (NM_001410772.1); short protein forms Q410H, Q392H.
Identifiers: ClinVar variation 2153375 (VCV002153375.5), dbSNP rs2153226831, ClinGen allele CA353102815.